The following is an entry in ClinVar:

NM_017827.4(SARS2):c.700G>C (p.Ala234Pro)

Gene: SARS2 (seryl-tRNA synthetase 2, mitochondrial; minus strand). Cytogenetic location: 19q13.2.
Variant type: single nucleotide variant.
Coding change: c.700G>C on transcript NM_017827.4 (MANE Select); coding-DNA position 700, G replaced by C.
Protein change: p.Ala234Pro; replaces alanine 234 with proline.
Molecular consequence: missense variant.
Genome position (GRCh38, 1-based): chr19:38,919,821, C>G on the plus strand (G>C on the coding strand, the complement: SARS2 is on the minus strand). VCF-style: chr19-38919821-C-G. GRCh37 (hg19) VCF-style: chr19-39410461-C-G.
Other names: c.706G>C, p.Ala236Pro (NM_001145901.2); short protein forms A234P, A236P.
Identifiers: ClinVar variation 1956138 (VCV001956138.5), dbSNP rs759199778, ClinGen allele CA9423061.

ClinVar aggregate classification (germline): Uncertain significance (1 of 4 stars; one submission).

Allele frequency attached by ClinVar (database versions not stated): TOPMed below 0.00001; gnomAD exomes 0.00001; ExAC 0.00002.
gnomAD v4.1: 7 of 1,614,170 alleles (0.00043%); highest among the groups gnomAD compares: Admixed American, 0.0017%; no homozygotes.

Submission:

Labcorp Genetics (formerly Invitae), Labcorp
Classification: Uncertain significance. Last evaluated: 2024-02-23. Review status: criteria provided, single submitter. Criteria: Invitae Variant Classification Sherloc (09022015). Collection method: clinical testing. Allele origin: germline.
Comment: This sequence change replaces alanine, which is neutral and non-polar, with proline, which is neutral and non-polar, at codon 234 of the SARS2 protein (p.Ala234Pro). This variant is present in population databases (rs759199778, gnomAD 0.003%). This variant has not been reported in the literature in individuals affected with SARS2-related conditions. ClinVar contains an entry for this variant (Variation ID: 1956138). Algorithms developed to predict the effect of missense changes on protein structure and function output the following: SIFT: "Not Available"; PolyPhen-2: "Benign"; Align-GVGD: "Not Available". The proline amino acid residue is found in multiple mammalian species, which suggests that this missense change does not adversely affect protein function. In summary, the available evidence is currently insufficient to determine the role of this variant in disease. Therefore, it has been classified as a Variant of Uncertain Significance.